The following is an entry in ClinVar:

NM_004370.6(COL12A1):c.1911T>G (p.Asp637Glu)

Gene: COL12A1 (collagen type XII alpha 1 chain; minus strand). Cytogenetic location: 6q13.
Variant type: single nucleotide variant.
Coding change: c.1911T>G on transcript NM_004370.6 (MANE Select); coding-DNA position 1911, T replaced by G.
Protein change: p.Asp637Glu; replaces aspartic acid 637 with glutamic acid.
Molecular consequence: missense variant. On other transcripts: intron variant (2).
Genome position (GRCh38, 1-based): chr6:75,181,192, A>C on the plus strand (T>G on the coding strand, the complement: COL12A1 is on the minus strand). VCF-style: chr6-75181192-A-C. GRCh37 (hg19) VCF-style: chr6-75890908-A-C.
Other names: c.1911T>G, p.Asp637Glu (NM_001424113.1, NM_001424114.1, NM_001424115.1); c.73+21528T>G (NM_001424116.1, NM_080645.3); c.1911T>G (NM_004370.5); short protein forms D637E.
Identifiers: ClinVar variation 3752641 (VCV003752641.3).

ClinVar aggregate classification (germline): Uncertain significance. Review status: criteria provided, multiple submitters, no conflicts (2 of 4 stars). 2 submissions from 2 submitters: Uncertain significance (2). Last evaluated 2025-08-23.

Conditions:
Inborn genetic diseases. Identifiers: MedGen C0950123, MeSH D030342.
Ullrich congenital muscular dystrophy 2 (UCMD2). Identifiers: Orphanet 75840, MedGen C4225314, MONDO:0014654, OMIM 616470.
Bethlem myopathy 2 (BTHLM2). Identifiers: Orphanet 536516, Orphanet 610, MedGen C4225313, MONDO:0034022, OMIM 616471.

gnomAD v4.1: 8 of 1,605,248 alleles (0.0005%); highest among the groups gnomAD compares: Non-Finnish European, 0.00068%; no homozygotes.

Submissions (2):

Labcorp Genetics (formerly Invitae), Labcorp
Classification: Uncertain significance for Bethlem myopathy 2; Ullrich congenital muscular dystrophy 2. Last evaluated: 2025-08-23. Review status: criteria provided, single submitter. Criteria: Invitae Variant Classification Sherloc (09022015). Collection method: clinical testing. Allele origin: germline.
Comment: This sequence change replaces aspartic acid, which is acidic and polar, with glutamic acid, which is acidic and polar, at codon 637 of the COL12A1 protein (p.Asp637Glu). This variant is not present in population databases (gnomAD no frequency). This variant has not been reported in the literature in individuals affected with COL12A1-related conditions. ClinVar contains an entry for this variant (Variation ID: 3752641). Invitae Evidence Modeling of protein sequence and biophysical properties (such as structural, functional, and spatial information, amino acid conservation, physicochemical variation, residue mobility, and thermodynamic stability) indicates that this missense variant is not expected to disrupt COL12A1 protein function with a negative predictive value of 80%. In summary, the available evidence is currently insufficient to determine the role of this variant in disease. Therefore, it has been classified as a Variant of Uncertain Significance.

Ambry Genetics
Classification: Uncertain significance for Inborn genetic diseases. Last evaluated: 2025-06-09. Review status: criteria provided, single submitter. Criteria: Ambry Variant Classification Scheme 2023. Collection method: clinical testing. Allele origin: germline.